The following is an entry in ClinVar:

ClinVar aggregate classification (germline): Uncertain significance (1 of 4 stars; one submission).

Conditions:
Angelman syndrome (AS). Also called: HAPPY PUPPET SYNDROME. Identifiers: Orphanet 72, MedGen C0162635, MONDO:0007113, OMIM 105830. Disease mechanism: loss of function. Inheritance: AS is caused by disruption of maternally imprinted UBE3A located within the 15q11.2-q13 Angelman syndrome/Prader-Willi syndrome (AS/PWS) region., imprinting disorder.

Submission:

Labcorp Genetics (formerly Invitae), Labcorp
Classification: Uncertain significance for Angelman syndrome. Last evaluated: 2022-08-26. Review status: criteria provided, single submitter. Criteria: Invitae Variant Classification Sherloc (09022015). Collection method: clinical testing. Allele origin: germline.
Comment: In summary, the available evidence is currently insufficient to determine the role of this variant in disease. Therefore, it has been classified as a Variant of Uncertain Significance. Algorithms developed to predict the effect of missense changes on protein structure and function are either unavailable or do not agree on the potential impact of this missense change (SIFT: "Not Available"; PolyPhen-2: "Benign"; Align-GVGD: "Not Available"). This variant has not been reported in the literature in individuals affected with UBE3A-related conditions. This variant is not present in population databases (gnomAD no frequency). This sequence change replaces glutamic acid, which is acidic and polar, with valine, which is neutral and non-polar, at codon 380 of the UBE3A protein (p.Glu380Val).

NM_130839.5(UBE3A):c.1199A>T (p.Glu400Val)

Genes: SNHG14 (small nucleolar RNA host gene 14; plus strand), UBE3A (ubiquitin protein ligase E3A; minus strand). Cytogenetic location: 15q11.2.
Variant type: single nucleotide variant.
Coding change: c.1199A>T on transcript NM_130839.5 (MANE Select); coding-DNA position 1199, A replaced by T.
Protein change: p.Glu400Val; replaces glutamic acid 400 with valine.
Molecular consequence: missense variant. On other transcripts: non-coding transcript variant (1), intron variant (2).
Genome position (GRCh38, 1-based): chr15:25,370,975, T>A on the plus strand (A>T on the coding strand, the complement: UBE3A is on the minus strand). VCF-style: chr15-25370975-T-A. GRCh37 (hg19) VCF-style: chr15-25616122-T-A.
Other names: c.301+4490A>T (NM_001354551.2); c.361+4490A>T (NM_001354550.2); c.1208A>T, p.Glu403Val (NM_000462.5); c.1199A>T, p.Glu400Val (NM_001354505.1, NM_001354538.2, NM_001354545.2); c.1139A>T, p.Glu380Val (NM_001354506.2, NM_001354507.2, NM_001354508.2 and 17 more transcripts); c.1022A>T, p.Glu341Val (NM_001354546.2); short protein forms E341V, E380V, E400V, E403V.
Identifiers: ClinVar variation 1718069 (VCV001718069.5), dbSNP rs1321476109, ClinGen allele CA391354138.
Genomic context (GRCh38, chr15:25,370,975, plus strand): 5'-GGACCTTTCTTGTTTCTTCTTTCTTCTCCCAAAAGTTCCTGAAGTGTCAGCTCGCTGGAC[T>A]CAGGGATGGGCTCTTCATCATCTTCTTCATTGTGATTTGTGTCCACTTCCCCTCCCACTA-3'
Protein context (NP_570854.1, residues 390-410): NEEDDEEPIP[Glu400Val]SSELTLQELL